The following is an entry in ClinVar:

ClinVar aggregate classification (germline): Uncertain significance. Review status: reviewed by expert panel (3 of 4 stars). 3 submissions from 3 submitters: Uncertain significance (1). 2 of the submissions do not count toward it. Last evaluated 2024-07-11.

Conditions:
Hereditary thrombocytopenia and hematological cancer predisposition syndrome associated with RUNX1. Also called: Familial Platelet Disorder with Propensity to Acute Myelogenous Leukemia; Familial thrombocytopenia with propensity to acute myelogenous leukemia; RUNX1 Familial Platelet Disorder with Associated Myeloid Malignancies; PLATELET DISORDER, ASPIRIN-LIKE. Identifiers: Orphanet 71290, MedGen C1832388, MeSH C563324, MONDO:0100083, OMIM 601399.
Hereditary thrombocytopenia and hematologic cancer predisposition syndrome. Identifiers: Orphanet 71290, MedGen CN281654, MONDO:0011071.
Inborn genetic diseases. Identifiers: MedGen C0950123, MeSH D030342.

Allele frequency attached by ClinVar (database versions not stated): gnomAD 0.00001; TOPMed 0.00001.
gnomAD v4.1: 1 of 1,610,538 alleles (0.000062%); highest among the groups gnomAD compares: Non-Finnish European, 0.000085%; no homozygotes.

Submissions (3):

ClinGen Myeloid Malignancy Variant Curation Expert Panel
Classification: Uncertain significance for Hereditary thrombocytopenia and hematologic cancer predisposition syndrome. Last evaluated: 2024-07-11. Review status: reviewed by expert panel. Criteria: ClinGen MyeloMalig ACMG Specifications v2. Collection method: curation. Allele origin: germline. Inheritance: Autosomal dominant inheritance.
Comment: NM_001754.5(RUNX1):c.763C>A (p.His255Asn) is a missense variant which has a REVEL score <0.50 (0.38) and a SpliceAI score ≤ 0.20 (0.02) (BP4). In summary, the clinical significance of this variant is uncertain. ACMG/AMP criteria applied, as specified by the Myeloid Malignancy Variant Curation Expert Panel for RUNX1: BP4

Ambry Genetics
Classification: Uncertain significance for Inborn genetic diseases. Last evaluated: 2025-02-05. Review status: criteria provided, single submitter. Criteria: Ambry Variant Classification Scheme 2023. Collection method: clinical testing. Allele origin: germline. Not counted in ClinVar's aggregate classification.
Comment: The p.H255N variant (also known as c.763C>A), located in coding exon 6 of the RUNX1 gene, results from a C to A substitution at nucleotide position 763. The histidine at codon 255 is replaced by asparagine, an amino acid with similar properties. This amino acid position is conserved. In addition, the in silico prediction for this alteration is inconclusive. Based on the available evidence, the clinical significance of this variant remains unclear.

Labcorp Genetics (formerly Invitae), Labcorp
Classification: Uncertain significance for Hereditary thrombocytopenia and hematological cancer predisposition syndrome associated with RUNX1. Last evaluated: 2022-12-25. Review status: criteria provided, single submitter. Criteria: Invitae Variant Classification Sherloc (09022015). Collection method: clinical testing. Allele origin: germline. Not counted in ClinVar's aggregate classification.
Comment: This sequence change replaces histidine, which is basic and polar, with asparagine, which is neutral and polar, at codon 255 of the RUNX1 protein (p.His255Asn). This variant is not present in population databases (gnomAD no frequency). This variant has not been reported in the literature in individuals affected with RUNX1-related conditions. ClinVar contains an entry for this variant (Variation ID: 959847). Advanced modeling of protein sequence and biophysical properties (such as structural, functional, and spatial information, amino acid conservation, physicochemical variation, residue mobility, and thermodynamic stability) performed at Invitae indicates that this missense variant is not expected to disrupt RUNX1 protein function. In summary, the available evidence is currently insufficient to determine the role of this variant in disease. Therefore, it has been classified as a Variant of Uncertain Significance.

NM_001754.5(RUNX1):c.763C>A (p.His255Asn)

Gene: RUNX1 (RUNX family transcription factor 1; minus strand). Cytogenetic location: 21q22.12.
Variant type: single nucleotide variant.
Coding change: c.763C>A on transcript NM_001754.5 (MANE Select); coding-DNA position 763, C replaced by A.
Protein change: p.His255Asn; replaces histidine 255 with asparagine.
Molecular consequence: missense variant.
Genome position (GRCh38, 1-based): chr21:34,834,452, G>T on the plus strand (C>A on the coding strand, the complement: RUNX1 is on the minus strand). VCF-style: chr21-34834452-G-T. GRCh37 (hg19) VCF-style: chr21-36206749-G-T.
Other names: NM_001754.5(RUNX1):c.763C>A; p.His255Asn; c.682C>A, p.His228Asn (NM_001001890.3, NM_001122607.2); short protein forms H255N, H228N.
Identifiers: ClinVar variation 959847 (VCV000959847.11), dbSNP rs2057111569, ClinGen allele CA410206743.